The following is an entry in ClinVar:

ClinVar aggregate classification (germline): Likely pathogenic (1 of 4 stars; one submission).

Conditions:
Dilated cardiomyopathy 1CC (CMD1CC). Identifiers: Orphanet 154, MedGen C2751084, MONDO:0013147, OMIM 613122.
Hypertrophic cardiomyopathy 20. Identifiers: MedGen C3151267, MONDO:0013477, OMIM 613876.

Submission:

Labcorp Genetics (formerly Invitae), Labcorp
Classification: Likely pathogenic for Dilated cardiomyopathy 1CC; Hypertrophic cardiomyopathy 20. Last evaluated: 2026-01-15. Review status: criteria provided, single submitter. Criteria: Invitae Variant Classification Sherloc (09022015). Collection method: clinical testing. Allele origin: germline.
Comment: This sequence change affects a donor splice site in intron 7 of the NEXN gene. It is expected to disrupt RNA splicing. Variants that disrupt the donor or acceptor splice site typically lead to a loss of protein function (PMID: 16199547), and loss-of-function variants in NEXN are known to be pathogenic (PMID: 19881492, 32058062, 32814711, 32870709, 33949776, 38059363, 40680702). This variant is not present in population databases (gnomAD no frequency). This variant has not been reported in the literature in individuals affected with NEXN-related conditions. ClinVar contains an entry for this variant (Variation ID: 3748873). Algorithms developed to predict the effect of sequence changes on RNA splicing suggest that this variant may disrupt the consensus splice site. In summary, the currently available evidence indicates that the variant is pathogenic, but additional data are needed to prove that conclusively. Therefore, this variant has been classified as Likely Pathogenic.

Literature cited by the submitters: PubMed 16199547; PubMed 19881492; PubMed 32058062; PubMed 32814711; PubMed 32870709; PubMed 33949776; PubMed 38059363; PubMed 40680702.

NM_144573.4(NEXN):c.687+2T>C

Gene: NEXN (nexilin F-actin binding protein; plus strand). Cytogenetic location: 1p31.1.
Variant type: single nucleotide variant.
Coding change: c.687+2T>C on transcript NM_144573.4 (MANE Select); the canonical splice donor site of the intron after coding-DNA position 687, T replaced by C.
Molecular consequence: splice donor variant.
Genome position (GRCh38, 1-based): chr1:77,926,613, T>C. VCF-style: chr1-77926613-T-C. GRCh37 (hg19) VCF-style: chr1-78392298-T-C.
Other names: c.495+2T>C (NM_001172309.2).
Identifiers: ClinVar variation 3748873 (VCV003748873.2).